The following is an entry in ClinVar:

NM_004168.4(SDHA):c.1350C>T (p.Asn450=)

Gene: SDHA (succinate dehydrogenase complex flavoprotein subunit A; plus strand). Cytogenetic location: 5p15.33.
Variant type: single nucleotide variant.
Coding change: c.1350C>T on transcript NM_004168.4 (MANE Select); coding-DNA position 1350, C replaced by T.
Protein change: p.Asn450=; no amino-acid change (asparagine 450 retained).
Molecular consequence: synonymous variant.
Genome position (GRCh38, 1-based): chr5:236,517, C>T. VCF-style: chr5-236517-C-T. GRCh37 (hg19) VCF-style: chr5-236632-C-T.
Other names: c.1206C>T, p.Asn402= (NM_001294332.2); c.1350C>T, p.Asn450= (NM_001330758.2).
Identifiers: ClinVar variation 486368 (VCV000486368.19), dbSNP rs533902090, ClinGen allele CA3173202.

ClinVar aggregate classification (germline): Conflicting classifications of pathogenicity. Review status: criteria provided, conflicting classifications (1 of 4 stars). 5 submissions from 5 submitters: Uncertain significance (1); Benign (1); Likely benign (3). Last evaluated 2025-12-23.

Conditions:
SDHA-related disorder. Also called: SDHA-related condition; SDHA-related disorders.
Pheochromocytoma/paraganglioma syndrome 5. Also called: Paragangliomas 5; SDHA-Related Hereditary Paraganglioma-Pheochromocytoma Syndrome. Identifiers: Orphanet 29072, MedGen C3279992, MONDO:0013602, OMIM 614165.
Mitochondrial complex II deficiency, nuclear type 1. Also called: SUCCINATE CoQ REDUCTASE DEFICIENCY. Identifiers: Orphanet 3208, MedGen C5700310, MONDO:0100294, OMIM 252011.
Hereditary cancer-predisposing syndrome. Also called: Neoplastic Syndromes, Hereditary; Hereditary Cancer Syndrome; Tumor predisposition; Hereditary neoplastic syndrome. Identifiers: Orphanet 140162, MedGen C0027672, MeSH D009386, MONDO:0015356.

Allele frequency attached by ClinVar (database versions not stated): ExAC 0.00001; gnomAD exomes 0.00001 and 0.00002; TOPMed 0.00002; gnomAD 0.00003; 1000 Genomes Project 30x 0.00016; 1000 Genomes Project 0.00020.
gnomAD v4.1: 14 of 1,614,046 alleles (0.00087%); highest among the groups gnomAD compares: Admixed American, 0.018%; no homozygotes.

Submissions (5):

Labcorp Genetics (formerly Invitae), Labcorp
Classification: Likely benign for Pheochromocytoma/paraganglioma syndrome 5; Mitochondrial complex II deficiency, nuclear type 1. Last evaluated: 2025-12-23. Review status: criteria provided, single submitter. Criteria: Invitae Variant Classification Sherloc (09022015). Collection method: clinical testing. Allele origin: germline.

PreventionGenetics, part of Exact Sciences
Classification: Likely benign for SDHA-related condition. Last evaluated: 2025-10-30. Review status: criteria provided, single submitter. Criteria: ACMG Guidelines, 2015. Collection method: clinical testing. Allele origin: germline.
Comment: This variant is classified as likely benign based on ACMG/AMP sequence variant interpretation guidelines (Richards et al. 2015 PMID: 25741868, with internal and published modifications).

Myriad Genetics, Inc.
Classification: Benign for Pheochromocytoma/paraganglioma syndrome 5. Last evaluated: 2025-03-10. Review status: criteria provided, single submitter. Criteria: Myriad Autosomal Dominant, Autosomal Recessive and X-Linked Classification Criteria (2023). Collection method: clinical testing. Allele origin: unknown.
Comment: This variant is considered benign. This variant is a silent/synonymous amino acid change and it is not expected to impact splicing.

Quest Diagnostics Nichols Institute San Juan Capistrano
Classification: Uncertain significance. Last evaluated: 2022-10-21. Review status: criteria provided, single submitter. Criteria: Quest Diagnostics criteria. Collection method: clinical testing. Allele origin: unknown.
Comment: To the best of our knowledge, the variant has not been reported in the published literature. The frequency of this variant in the general population, 0.00014 (5/34590 chromosomes), is uninformative in assessment of its pathogenicity. Analysis of this variant using software algorithms for the prediction of the effect of nucleotide changes on splicing yielded predictions that this variant does not affect SDHA mRNA splicing . Based on the available information, we are unable to determine the clinical significance of this variant.

Ambry Genetics
Classification: Likely benign for Hereditary cancer-predisposing syndrome. Last evaluated: 2017-07-17. Review status: criteria provided, single submitter. Criteria: Ambry Variant Classification Scheme 2023. Collection method: clinical testing. Allele origin: germline.